The following is an entry in ClinVar:

ClinVar aggregate classification (germline): Uncertain significance. Review status: criteria provided, multiple submitters, no conflicts (2 of 4 stars). 2 submissions from 2 submitters: Uncertain significance (2). Last evaluated 2024-10-11.

Conditions:
Familial adenomatous polyposis 2. Also called: FAP type 2; MUTYH Polyposis; COLORECTAL ADENOMATOUS POLYPOSIS, AUTOSOMAL RECESSIVE; ADENOMAS, MULTIPLE COLORECTAL, AUTOSOMAL RECESSIVE; MUTYH-associated polyposis; MUTYH-related attenuated familial adenomatous polyposis. Identifiers: Orphanet 220460, Orphanet 247798, MedGen C3272841, MONDO:0012041, OMIM 608456.

Submissions (2):

GeneDx
Classification: Uncertain significance. Last evaluated: 2024-10-11. Review status: criteria provided, single submitter. Criteria: GeneDx Variant Classification Process June 2021. Collection method: clinical testing. Allele origin: germline. Affected: yes.
Comment: Not observed at significant frequency in large population cohorts (gnomAD); In silico analysis supports that this missense variant has a deleterious effect on protein structure/function; Has not been previously published as pathogenic or benign to our knowledge; This variant is associated with the following publications: (PMID: 16879101, 20816984)

Labcorp Genetics (formerly Invitae), Labcorp
Classification: Uncertain significance for Familial adenomatous polyposis 2. Last evaluated: 2019-12-25. Review status: criteria provided, single submitter. Criteria: Invitae Variant Classification Sherloc (09022015). Collection method: clinical testing. Allele origin: germline.
Comment: This sequence change replaces proline with leucine at codon 344 of the MUTYH protein (p.Pro344Leu). The proline residue is highly conserved and there is a moderate physicochemical difference between proline and leucine. In summary, the available evidence is currently insufficient to determine the role of this variant in disease. Therefore, it has been classified as a Variant of Uncertain Significance. Algorithms developed to predict the effect of missense changes on protein structure and function are either unavailable or do not agree on the potential impact of this missense change (SIFT: "Deleterious"; PolyPhen-2: "Possibly Damaging"; Align-GVGD: "Class C0"). This variant has not been reported in the literature in individuals with MUTYH-related conditions. This variant is not present in population databases (ExAC no frequency).

NM_001048174.2(MUTYH):c.947C>T (p.Pro316Leu)

Gene: MUTYH (mutY DNA glycosylase; minus strand). Cytogenetic location: 1p34.1.
Variant type: single nucleotide variant.
Coding change: c.947C>T on transcript NM_001048174.2 (MANE Select); coding-DNA position 947, C replaced by T.
Protein change: p.Pro316Leu; replaces proline 316 with leucine.
Molecular consequence: missense variant. On other transcripts: non-coding transcript variant (2).
Genome position (GRCh38, 1-based): chr1:45,331,816, G>A on the plus strand (C>T on the coding strand, the complement: MUTYH is on the minus strand). VCF-style: chr1-45331816-G-A. GRCh37 (hg19) VCF-style: chr1-45797488-G-A.
Other names: c.947C>T, p.Pro316Leu (NM_001048171.2, NM_001048173.2, NM_001293195.2); c.950C>T, p.Pro317Leu (NM_001048172.2); c.1031C>T, p.Pro344Leu (NM_001128425.2); c.992C>T, p.Pro331Leu (NM_001293190.2); c.980C>T, p.Pro327Leu (NM_001293191.2); c.671C>T, p.Pro224Leu (NM_001293192.2, NM_001293196.2); c.602C>T, p.Pro201Leu (NM_001350650.2, NM_001350651.2); c.1022C>T, p.Pro341Leu (NM_012222.3); short protein forms P201L, P331L, P344L, P317L, P327L, P224L, P341L, P316L.
Identifiers: ClinVar variation 838595 (VCV000838595.11), dbSNP rs1644929092, ClinGen allele CA340133821.